The following is an entry in ClinVar:

ClinVar aggregate classification (germline): Uncertain significance (1 of 4 stars; one submission).

Allele frequency attached by ClinVar (database versions not stated): gnomAD exomes below 0.00001.
gnomAD v4.1: 1 of 1,613,932 alleles (0.000062%); highest among the groups gnomAD compares: South Asian, 0.0011%; no homozygotes.

Submission:

Labcorp Genetics (formerly Invitae), Labcorp
Classification: Uncertain significance. Last evaluated: 2022-07-23. Review status: criteria provided, single submitter. Criteria: Invitae Variant Classification Sherloc (09022015). Collection method: clinical testing. Allele origin: germline.
Comment: This variant has not been reported in the literature in individuals affected with SAG-related conditions. In summary, the available evidence is currently insufficient to determine the role of this variant in disease. Therefore, it has been classified as a Variant of Uncertain Significance. Algorithms developed to predict the effect of missense changes on protein structure and function are either unavailable or do not agree on the potential impact of this missense change (SIFT: "Tolerated"; PolyPhen-2: "Possibly Damaging"; Align-GVGD: "Class C0"). This variant is not present in population databases (gnomAD no frequency). This sequence change replaces valine, which is neutral and non-polar, with leucine, which is neutral and non-polar, at codon 339 of the SAG protein (p.Val339Leu).

NM_000541.5(SAG):c.1015G>T (p.Val339Leu)

Gene: SAG (S-antigen visual arrestin; plus strand). Cytogenetic location: 2q37.1.
Variant type: single nucleotide variant.
Coding change: c.1015G>T on transcript NM_000541.5 (MANE Select); coding-DNA position 1015, G replaced by T.
Protein change: p.Val339Leu; replaces valine 339 with leucine.
Molecular consequence: missense variant.
Genome position (GRCh38, 1-based): chr2:233,338,746, G>T. VCF-style: chr2-233338746-G-T. GRCh37 (hg19) VCF-style: chr2-234247392-G-T.
Other names: short protein forms V339L.
Identifiers: ClinVar variation 2095687 (VCV002095687.4), dbSNP rs2469819796, ClinGen allele CA351049030.
Genomic context (GRCh38, chr2:233,338,746, plus strand): 5'-GGCATAGACCGGACCGTCCTGGGAATCCTGGTGTCTTACCAGATCAAGGTGAAGCTCACA[G>T]TGTCAGGGTAAGTGTCCCGGCACCAACCCTCGGGCTGCTCTGTCCTGGTCTTAGATGGTC-3'
Protein context (NP_000532.2, residues 329-349): VSYQIKVKLT[Val339Leu]SGFLGELTSS